The following is an entry in ClinVar:

NM_000153.4(GALC):c.403A>T (p.Lys135Ter)

Gene: GALC (galactosylceramidase; minus strand). Cytogenetic location: 14q31.3.
Variant type: single nucleotide variant.
Coding change: c.403A>T on transcript NM_000153.4 (MANE Select); coding-DNA position 403, A replaced by T.
Protein change: p.Lys135Ter; replaces lysine 135 with a stop codon.
Molecular consequence: nonsense.
Genome position (GRCh38, 1-based): chr14:87,986,528, T>A on the plus strand (A>T on the coding strand, the complement: GALC is on the minus strand). VCF-style: chr14-87986528-T-A. GRCh37 (hg19) VCF-style: chr14-88452872-T-A.
Other names: c.334A>T, p.Lys112Ter (NM_001201401.2); c.325A>T, p.Lys109Ter (NM_001201402.2); short protein forms K109*, K112*, K135*.
Identifiers: ClinVar variation 1726521 (VCV001726521.2), dbSNP rs2503518940, ClinGen allele CA390752472.

ClinVar aggregate classification (germline): Likely pathogenic (1 of 4 stars; one submission).

Conditions:
Galactosylceramide beta-galactosidase deficiency. Also called: GALACTOCEREBROSIDASE DEFICIENCY; GALC DEFICIENCY; GLOBOID CELL LEUKOENCEPHALOPATHY; Leukodystrophy, Globoid Cell; Krabbe Disease. Identifiers: Orphanet 487, MedGen C0023521, MONDO:0009499, OMIM 245200.

Submission:

Myriad Genetics, Inc.
Classification: Likely pathogenic for Galactosylceramide beta-galactosidase deficiency. Last evaluated: 2022-03-30. Review status: criteria provided, single submitter. Criteria: Myriad Women's Health Autosomal Recessive and X-Linked Classification Criteria (2021). Collection method: clinical testing. Allele origin: unknown.
Comment: NM_000153.3(GALC):c.403A>T(K135*) is expected to be pathogenic in the context of Krabbe disease. This variant is predicted to lead to an abnormal or absent protein product due to the creation of a premature termination codon in GALC, a gene where loss-of-function variants are known to be pathogenic. Please note: this variant was assessed in the context of healthy population screening.